The following is an entry in ClinVar:

NM_002335.4(LRP5):c.1055T>G (p.Leu352Arg)

Gene: LRP5 (LDL receptor related protein 5; plus strand). Cytogenetic location: 11q13.2.
Variant type: single nucleotide variant.
Coding change: c.1055T>G on transcript NM_002335.4 (MANE Select); coding-DNA position 1055, T replaced by G.
Protein change: p.Leu352Arg; replaces leucine 352 with arginine.
Molecular consequence: missense variant. On other transcripts: 5 prime UTR variant (1).
Genome position (GRCh38, 1-based): chr11:68,386,355, T>G. VCF-style: chr11-68386355-T-G. GRCh37 (hg19) VCF-style: chr11-68153823-T-G.
Other names: c.-711T>G (NM_001291902.2); short protein forms L352R.
Identifiers: ClinVar variation 3634229 (VCV003634229.2).

ClinVar aggregate classification (germline): Uncertain significance (1 of 4 stars; one submission).

gnomAD v4.1: 1 of 1,613,182 alleles (0.000062%); highest among the groups gnomAD compares: Non-Finnish European, 0.000085%; no homozygotes.

Submission:

Labcorp Genetics (formerly Invitae), Labcorp
Classification: Uncertain significance. Last evaluated: 2024-12-02. Review status: criteria provided, single submitter. Criteria: Invitae Variant Classification Sherloc (09022015). Collection method: clinical testing. Allele origin: germline.
Comment: This sequence change replaces leucine, which is neutral and non-polar, with arginine, which is basic and polar, at codon 352 of the LRP5 protein (p.Leu352Arg). This variant is not present in population databases (gnomAD no frequency). This variant has not been reported in the literature in individuals affected with LRP5-related conditions. Invitae Evidence Modeling of protein sequence and biophysical properties (such as structural, functional, and spatial information, amino acid conservation, physicochemical variation, residue mobility, and thermodynamic stability) has been performed for this missense variant. However, the output from this modeling did not meet the statistical confidence thresholds required to predict the impact of this variant on LRP5 protein function. In summary, the available evidence is currently insufficient to determine the role of this variant in disease. Therefore, it has been classified as a Variant of Uncertain Significance.